The following is an entry in ClinVar:

ClinVar aggregate classification (germline): Uncertain significance (1 of 4 stars; one submission).

Conditions:
Inborn genetic diseases. Identifiers: MedGen C0950123, MeSH D030342.

Submission:

Ambry Genetics
Classification: Uncertain significance for Inborn genetic diseases. Last evaluated: 2025-08-25. Review status: criteria provided, single submitter. Criteria: Ambry Variant Classification Scheme 2023. Collection method: clinical testing. Allele origin: germline.
Comment: The p.M172K variant (also known as c.515T>A), located in coding exon 4 of the SBDS gene, results from a T to A substitution at nucleotide position 515. The methionine at codon 172 is replaced by lysine, an amino acid with similar properties. This amino acid position is conserved. In addition, this alteration is predicted to be deleterious by in silico analysis. Based on the available evidence, the clinical significance of this variant remains unclear.

NM_016038.4(SBDS):c.515T>A (p.Met172Lys)

Gene: SBDS (SBDS ribosome maturation factor; minus strand). Cytogenetic location: 7q11.21.
Variant type: single nucleotide variant.
Coding change: c.515T>A on transcript NM_016038.4 (MANE Select); coding-DNA position 515, T replaced by A.
Protein change: p.Met172Lys; replaces methionine 172 with lysine.
Molecular consequence: missense variant.
Genome position (GRCh38, 1-based): chr7:66,991,246, A>T on the plus strand (T>A on the coding strand, the complement: SBDS is on the minus strand). VCF-style: chr7-66991246-A-T. GRCh37 (hg19) VCF-style: chr7-66456233-A-T.
Other names: short protein forms M172K.
Identifiers: ClinVar variation 4159830 (VCV004159830.1).